The following is an entry in ClinVar:

ClinVar aggregate classification (germline): Uncertain significance. Review status: criteria provided, multiple submitters, no conflicts (2 of 4 stars). 2 submissions from 2 submitters: Uncertain significance (2). Last evaluated 2025-08-12.

Conditions:
Cardiovascular phenotype. Identifiers: MedGen CN230736.

gnomAD v4.1: 3 of 1,614,032 alleles (0.00019%); highest among the groups gnomAD compares: African/African-American, 0.004%; no homozygotes.

Submissions (2):

GeneDx
Classification: Uncertain significance. Last evaluated: 2025-08-12. Review status: criteria provided, single submitter. Criteria: GeneDx Variant Classification Process June 2021. Collection method: clinical testing. Allele origin: germline. Affected: yes.
Comment: Not observed at significant frequency in large population cohorts (gnomAD); In silico analysis suggests that this missense variant does not alter protein structure/function; Has not been previously published as pathogenic or benign to our knowledge

Ambry Genetics
Classification: Uncertain significance for Cardiovascular phenotype. Last evaluated: 2023-11-23. Review status: criteria provided, single submitter. Criteria: Ambry Variant Classification Scheme 2023. Collection method: clinical testing. Allele origin: germline.
Comment: The p.A1008E variant (also known as c.3023C>A), located in coding exon 24 of the JAG1 gene, results from a C to A substitution at nucleotide position 3023. The alanine at codon 1008 is replaced by glutamic acid, an amino acid with dissimilar properties. This amino acid position is conserved. In addition, this alteration is predicted to be deleterious by in silico analysis. Since supporting evidence is limited at this time, the clinical significance of this alteration remains unclear.

NM_000214.3(JAG1):c.3023C>A (p.Ala1008Glu)

Gene: JAG1 (jagged canonical Notch ligand 1; minus strand). Cytogenetic location: 20p12.2.
Variant type: single nucleotide variant.
Coding change: c.3023C>A on transcript NM_000214.3 (MANE Select); coding-DNA position 3023, C replaced by A.
Protein change: p.Ala1008Glu; replaces alanine 1008 with glutamic acid.
Molecular consequence: missense variant.
Genome position (GRCh38, 1-based): chr20:10,641,138, G>T on the plus strand (C>A on the coding strand, the complement: JAG1 is on the minus strand). VCF-style: chr20-10641138-G-T. GRCh37 (hg19) VCF-style: chr20-10621786-G-T.
Other names: short protein forms A1008E.
Identifiers: ClinVar variation 3230620 (VCV003230620.2), dbSNP rs577307986, ClinGen allele CA311368351.